The following is an entry in ClinVar:

ClinVar aggregate classification (germline): Uncertain significance. Review status: criteria provided, multiple submitters, no conflicts (2 of 4 stars). 2 submissions from 2 submitters: Uncertain significance (2). Last evaluated 2025-05-04.

Conditions:
Cardiovascular phenotype. Identifiers: MedGen CN230736.
Progressive familial heart block type IB (PFHB1B). Identifiers: Orphanet 871, MedGen C1970298, MONDO:0011474, OMIM 604559.

Allele frequency attached by ClinVar (database versions not stated): gnomAD 0.00001; TOPMed 0.00001; ESP Exome Variant Server 0.00008.
gnomAD v4.1: 5 of 1,613,988 alleles (0.00031%); highest among the groups gnomAD compares: East Asian, 0.0022%; no homozygotes.

Submissions (2):

Labcorp Genetics (formerly Invitae), Labcorp
Classification: Uncertain significance for Progressive familial heart block type IB. Last evaluated: 2025-05-04. Review status: criteria provided, single submitter. Criteria: Invitae Variant Classification Sherloc (09022015). Collection method: clinical testing. Allele origin: germline.
Comment: This sequence change falls in intron 14 of the TRPM4 gene. It does not directly change the encoded amino acid sequence of the TRPM4 protein. It affects a nucleotide within the consensus splice site. This variant is present in population databases (rs370812642, gnomAD 0.0009%). This variant has not been reported in the literature in individuals affected with TRPM4-related conditions. ClinVar contains an entry for this variant (Variation ID: 1433038). Variants that disrupt the consensus splice site are a relatively common cause of aberrant splicing (PMID: 17576681, 9536098). Algorithms developed to predict the effect of sequence changes on RNA splicing suggest that this variant may disrupt the consensus splice site. In summary, the available evidence is currently insufficient to determine the role of this variant in disease. Therefore, it has been classified as a Variant of Uncertain Significance.

Ambry Genetics
Classification: Uncertain significance for Cardiovascular phenotype. Last evaluated: 2019-08-08. Review status: criteria provided, single submitter. Criteria: Ambry Variant Classification Scheme 2023. Collection method: clinical testing. Allele origin: germline.
Comment: The c.2019+5G>A intronic variant results from a G to A substitution 5 nucleotides after coding exon 14 in the TRPM4 gene. This nucleotide position is well conserved in available vertebrate species. Using the BDGP and ESEfinder splice site prediction tools, this alteration is predicted to weaken the efficiency of the native splice donor site; however, direct evidence is unavailable. Since supporting evidence is limited at this time, the clinical significance of this alteration remains unclear.

Literature cited by the submitters: PubMed 17576681 (cited by Labcorp Genetics (formerly Invitae), Labcorp); PubMed 9536098 (cited by Labcorp Genetics (formerly Invitae), Labcorp).

NM_017636.4(TRPM4):c.2019+5G>A

Gene: TRPM4 (transient receptor potential cation channel subfamily M member 4; plus strand). Cytogenetic location: 19q13.33.
Variant type: single nucleotide variant.
Coding change: c.2019+5G>A on transcript NM_017636.4 (MANE Select); 5 bases into the intron after coding-DNA position 2019, G replaced by A.
Molecular consequence: intron variant.
Genome position (GRCh38, 1-based): chr19:49,189,096, G>A. VCF-style: chr19-49189096-G-A. GRCh37 (hg19) VCF-style: chr19-49692353-G-A.
Other names: c.2019+5G>A (NM_001195227.2); c.411+5G>A (NM_001321282.2); c.1674+5G>A (NM_001321281.2); c.1497+5G>A (NM_001321283.2); c.957+5G>A (NM_001321285.2).
Identifiers: ClinVar variation 1433038 (VCV001433038.8), dbSNP rs370812642, ClinGen allele CA309447168.